The following is an entry in ClinVar:

NM_001164508.2(NEB):c.6923A>G (p.Tyr2308Cys)

Gene: NEB (nebulin; minus strand). Cytogenetic location: 2q23.3.
Variant type: single nucleotide variant.
Coding change: c.6923A>G on transcript NM_001164508.2 (MANE Select); coding-DNA position 6923, A replaced by G.
Protein change: p.Tyr2308Cys; replaces tyrosine 2308 with cysteine.
Molecular consequence: missense variant.
Genome position (GRCh38, 1-based): chr2:151,650,878, T>C on the plus strand (A>G on the coding strand, the complement: NEB is on the minus strand). VCF-style: chr2-151650878-T-C. GRCh37 (hg19) VCF-style: chr2-152507392-T-C.
Other names: c.6923A>G, p.Tyr2308Cys (NM_001164507.2, NM_001271208.2, NM_004543.5); short protein forms Y2308C.
Identifiers: ClinVar variation 1949018 (VCV001949018.3), dbSNP rs2552250006, ClinGen allele CA348791571.

ClinVar aggregate classification (germline): Uncertain significance. Review status: criteria provided, single submitter (1 of 4 stars). 2 submissions from 2 submitters: Uncertain significance (1). 1 of the submissions does not count toward it. Last evaluated 2022-07-13.

Conditions:
Nemaline myopathy 2 (NEM2). Also called: Nemaline myopathy 2, autosomal recessive. Identifiers: MedGen C1850569, MONDO:0009725, OMIM 256030.

Submissions (2):

Labcorp Genetics (formerly Invitae), Labcorp
Classification: Uncertain significance for Nemaline myopathy 2. Last evaluated: 2022-07-13. Review status: criteria provided, single submitter. Criteria: Invitae Variant Classification Sherloc (09022015). Collection method: clinical testing. Allele origin: germline.
Comment: This sequence change replaces tyrosine, which is neutral and polar, with cysteine, which is neutral and slightly polar, at codon 2308 of the NEB protein (p.Tyr2308Cys). This variant is not present in population databases (gnomAD no frequency). This variant has not been reported in the literature in individuals affected with NEB-related conditions. Algorithms developed to predict the effect of missense changes on protein structure and function are either unavailable or do not agree on the potential impact of this missense change (SIFT: "Deleterious"; PolyPhen-2: "Not Available"; Align-GVGD: "Class C0"). In summary, the available evidence is currently insufficient to determine the role of this variant in disease. Therefore, it has been classified as a Variant of Uncertain Significance.

Natera, Inc.
Classification: Uncertain significance for Nemaline myopathy type 2. Last evaluated: 2025-02-17. Review status: no assertion criteria provided. Collection method: clinical testing. Allele origin: germline. Not counted in ClinVar's aggregate classification.